The following is an entry in ClinVar:

NM_006015.6(ARID1A):c.741C>G (p.Ala247=)

Genes: ARID1A (AT-rich interaction domain 1A; plus strand), LOC129929837 (ATAC-STARR-seq lymphoblastoid silent region 489; plus strand). Cytogenetic location: 1p36.11.
Variant type: single nucleotide variant.
Coding change: c.741C>G on transcript NM_006015.6 (MANE Select); coding-DNA position 741, C replaced by G.
Protein change: p.Ala247=; no amino-acid change (alanine 247 retained).
Molecular consequence: synonymous variant.
Genome position (GRCh38, 1-based): chr1:26,697,144, C>G. VCF-style: chr1-26697144-C-G. GRCh37 (hg19) VCF-style: chr1-27023635-C-G.
Other names: c.741C>G, p.Ala247= (NM_139135.4).
Identifiers: ClinVar variation 2442668 (VCV002442668.2), dbSNP rs758295438, ClinGen allele CA416989993.

ClinVar aggregate classification (germline): Conflicting classifications of pathogenicity. Review status: criteria provided, conflicting classifications (1 of 4 stars). 2 submissions from 2 submitters: Uncertain significance (1); Likely benign (1). Last evaluated 2025-05-05.

gnomAD v4.1: 2 of 1,439,118 alleles (0.00014%); highest among the groups gnomAD compares: Non-Finnish European, 0.00018%; no homozygotes.

Submissions (2):

Labcorp Genetics (formerly Invitae), Labcorp
Classification: Likely benign. Last evaluated: 2025-05-05. Review status: criteria provided, single submitter. Criteria: Invitae Variant Classification Sherloc (09022015). Collection method: clinical testing. Allele origin: germline.

GeneDx
Classification: Uncertain significance. Last evaluated: 2022-08-30. Review status: criteria provided, single submitter. Criteria: GeneDx Variant Classification Process June 2021. Collection method: clinical testing. Allele origin: germline. Affected: yes.
Comment: Not observed at significant frequency in large population cohorts (gnomAD); In silico analysis supports that this variant does not alter splicing; Has not been previously published as pathogenic or benign to our knowledge